The following is an entry in ClinVar:

ClinVar aggregate classification (germline): Uncertain significance (1 of 4 stars; one submission).

Submission:

Labcorp Genetics (formerly Invitae), Labcorp
Classification: Uncertain significance. Last evaluated: 2025-03-27. Review status: criteria provided, single submitter. Criteria: Invitae Variant Classification Sherloc (09022015). Collection method: clinical testing. Allele origin: germline.
Comment: This sequence change creates a premature translational stop signal (p.Arg611Metfs*21) in the CEP97 gene. While this is not anticipated to result in nonsense mediated decay, it is expected to disrupt the last 255 amino acid(s) of the CEP97 protein. This variant is not present in population databases (gnomAD no frequency). This variant has not been reported in the literature in individuals affected with CEP97-related conditions. Experimental studies and prediction algorithms are not available or were not evaluated, and the functional significance of this variant is currently unknown. In summary, the available evidence is currently insufficient to determine the role of this variant in disease. Therefore, it has been classified as a Variant of Uncertain Significance.

NM_024548.4(CEP97):c.1830_1833del (p.Arg611fs)

Gene: CEP97 (centrosomal protein 97; plus strand). Cytogenetic location: 3q12.3.
Variant type: Microsatellite.
Coding change: c.1830_1833del on transcript NM_024548.4 (MANE Select); coding-DNA positions 1830 to 1833, 4 bases deleted (AAGA; older notation c.1830_1833delAAGA).
Protein change: p.Arg611fs; shifts the reading frame from arginine 611.
Molecular consequence: frameshift variant.
Genome position (GRCh38, 1-based): chr3:101,762,497-101,762,500, AAGA deleted; deleting any 4 consecutive bases within chr3:101,762,492-101,762,500 gives the same sequence; the c. name uses the placement nearest the transcript's 3' end. VCF-style (leftmost placement, unchanged base first): chr3-101762491-AAAAG-A. GRCh37 (hg19) VCF-style: chr3-101481335-AAAAG-A.
Other names: c.1653_1656del, p.Arg552fs (NM_001303401.2); c.1728_1731del, p.Arg577fs (NM_001410784.1); c.1551_1554del, p.Arg518fs (NM_001410785.1); short protein forms R518fs, R552fs, R577fs, R611fs.
Identifiers: ClinVar variation 4704037 (VCV004704037.1).